The following is an entry in ClinVar:

ClinVar aggregate classification (germline): Uncertain significance. Review status: criteria provided, multiple submitters, no conflicts (2 of 4 stars). 2 submissions from 2 submitters: Uncertain significance (2). Last evaluated 2026-04-07.

Conditions:
MYH7B-related disorder. Also called: MYH7B-related condition.

Allele frequency attached by ClinVar (database versions not stated): gnomAD exomes 0.00004 and 0.00009; TOPMed 0.00004; gnomAD 0.00006; ExAC 0.00012; 1000 Genomes Project 30x 0.00016.
gnomAD v4.1: 133 of 1,554,270 alleles (0.0086%); highest among the groups gnomAD compares: Non-Finnish European, 0.011%; no homozygotes.

Submissions (2):

PreventionGenetics, part of Exact Sciences
Classification: Uncertain significance for MYH7B-related condition. Last evaluated: 2026-04-07. Review status: criteria provided, single submitter. Criteria: ACMG Guidelines, 2015. Collection method: clinical testing. Allele origin: germline.
Comment: The MYH7B c.3532C>T variant is predicted to result in the amino acid substitution p.Arg1178Trp. To our knowledge, this variant has not been reported in the literature. This variant is reported in 0.013% of alleles in individuals of African descent in gnomAD. At this time, the clinical significance of this variant is uncertain due to the absence of conclusive functional and genetic evidence.

Labcorp Genetics (formerly Invitae), Labcorp
Classification: Uncertain significance. Last evaluated: 2024-09-27. Review status: criteria provided, single submitter. Criteria: Invitae Variant Classification Sherloc (09022015). Collection method: clinical testing. Allele origin: germline.
Comment: This sequence change replaces arginine, which is basic and polar, with tryptophan, which is neutral and slightly polar, at codon 1178 of the MYH7B protein (p.Arg1178Trp). The frequency data for this variant in the population databases is considered unreliable, as metrics indicate poor data quality at this position in the gnomAD database. This variant has not been reported in the literature in individuals affected with MYH7B-related conditions. ClinVar contains an entry for this variant (Variation ID: 1505072). Invitae Evidence Modeling of protein sequence and biophysical properties (such as structural, functional, and spatial information, amino acid conservation, physicochemical variation, residue mobility, and thermodynamic stability) indicates that this missense variant is expected to disrupt MYH7B protein function with a positive predictive value of 80%. In summary, the available evidence is currently insufficient to determine the role of this variant in disease. Therefore, it has been classified as a Variant of Uncertain Significance.

NM_020884.7(MYH7B):c.3406C>T (p.Arg1136Trp)

Gene: MYH7B (myosin heavy chain 7B; plus strand). Cytogenetic location: 20q11.22.
Variant type: single nucleotide variant.
Coding change: c.3406C>T on transcript NM_020884.7 (MANE Select); coding-DNA position 3406, C replaced by T.
Protein change: p.Arg1136Trp; replaces arginine 1136 with tryptophan.
Molecular consequence: missense variant.
Genome position (GRCh38, 1-based): chr20:34,997,299, C>T. VCF-style: chr20-34997299-C-T. GRCh37 (hg19) VCF-style: chr20-33585102-C-T.
Other names: c.3532C>T (NM_020884.4); short protein forms R1136W.
Identifiers: ClinVar variation 1505072 (VCV001505072.9), dbSNP rs761007882, ClinGen allele CA9827724.